The following is an entry in ClinVar:

NM_006231.4(POLE):c.4150-16G>T

Gene: POLE (DNA polymerase epsilon, catalytic subunit; minus strand). Cytogenetic location: 12q24.33.
Variant type: single nucleotide variant.
Coding change: c.4150-16G>T on transcript NM_006231.4 (MANE Select); 16 bases into the intron before coding-DNA position 4150, G replaced by T.
Molecular consequence: intron variant.
Genome position (GRCh38, 1-based): chr12:132,643,993, C>A on the plus strand (G>T on the coding strand, the complement: POLE is on the minus strand). VCF-style: chr12-132643993-C-A. GRCh37 (hg19) VCF-style: chr12-133220579-C-A.
Identifiers: ClinVar variation 508388 (VCV000508388.8), dbSNP rs375774291, ClinGen allele CA6892968.
Genomic context (GRCh38, chr12:132,643,993, plus strand): 5'-ATAGAGATTGTAGACCATGTTGGAGCGAGGAAGGACCCGATTTACCTGGCGAGAATACGA[C>A]GATGATCTCGTCACTGGGCGTAAGTGGTAATGTCTGTGGTACACACACAAAGCACACGCT-3'

ClinVar aggregate classification (germline): Likely benign. Review status: criteria provided, multiple submitters, no conflicts (2 of 4 stars). 2 submissions from 2 submitters: Likely benign (2). Last evaluated 2026-01-25.

Allele frequency attached by ClinVar (database versions not stated): TOPMed 0.00001.
gnomAD v4.1: 15 of 1,608,596 alleles (0.00093%); highest among the groups gnomAD compares: East Asian, 0.031%; no homozygotes.

Submissions (2):

Labcorp Genetics (formerly Invitae), Labcorp
Classification: Likely benign. Last evaluated: 2026-01-25. Review status: criteria provided, single submitter. Criteria: Invitae Variant Classification Sherloc (09022015). Collection method: clinical testing. Allele origin: germline.

GeneDx
Classification: Likely benign. Last evaluated: 2017-03-27. Review status: criteria provided, single submitter. Criteria: GeneDx Variant Classification (06012015). Collection method: clinical testing. Allele origin: germline. Affected: yes.
Comment: This variant is considered likely benign or benign based on one or more of the following criteria: it is a conservative change, it occurs at a poorly conserved position in the protein, it is predicted to be benign by multiple in silico algorithms, and/or has population frequency not consistent with disease.